The following is an entry in ClinVar:

ClinVar aggregate classification (germline): Pathogenic (1 of 4 stars; one submission).

Conditions:
Hereditary cancer-predisposing syndrome. Also called: Neoplastic Syndromes, Hereditary; Tumor predisposition; Hereditary neoplastic syndrome; Hereditary Cancer Syndrome. Identifiers: Orphanet 140162, MedGen C0027672, MeSH D009386, MONDO:0015356.

Submission:

Ambry Genetics
Classification: Pathogenic for Hereditary cancer-predisposing syndrome. Last evaluated: 2026-06-23. Review status: criteria provided, single submitter. Criteria: Ambry Variant Classification Scheme 2023. Collection method: clinical testing. Allele origin: germline.
Comment: The c.816_822dupCGCAGCT pathogenic mutation, located in coding exon 6 of the FH gene, results from a duplication of CGCAGCT at nucleotide position 816, causing a translational frameshift with a predicted alternate stop codon (p.G275Rfs*14). This variant is considered to be rare based on population cohorts in the Genome Aggregation Database (gnomAD). This alteration is expected to result in loss of function by premature protein truncation or nonsense-mediated mRNA decay. As such, this alteration is interpreted as a disease-causing mutation.

NM_000143.4(FH):c.816_822dup (p.Gly275fs)

Gene: FH (fumarate hydratase; minus strand). Cytogenetic location: 1q43.
Variant type: Duplication.
Coding change: c.816_822dup on transcript NM_000143.4 (MANE Select); coding-DNA positions 816 to 822, 7 bases duplicated (CGCAGCT; older notation c.816_822dupCGCAGCT).
Protein change: p.Gly275fs; shifts the reading frame from glycine 275.
Molecular consequence: frameshift variant.
Genome position (GRCh38, 1-based): chr1:241,506,085-241,506,091, AGCTGCG duplicated on the plus strand (CGCAGCT on the coding strand, the reverse complement: FH is on the minus strand); duplicating any 7 consecutive bases within chr1:241,506,085-241,506,095 gives the same sequence; the c. name uses the placement nearest the transcript's 3' end. VCF-style (leftmost placement, unchanged base first): chr1-241506084-C-CAGCTGCG. GRCh37 (hg19) VCF-style: chr1-241669384-C-CAGCTGCG.
Other names: c.816_822dupCGCAGCT (NM_000143.3); short protein forms G275fs.
Identifiers: ClinVar variation 5021715 (VCV005021715.1).